The following is an entry in ClinVar:

NM_001009944.3(PKD1):c.750_751delinsA (p.Pro252fs)

Gene: PKD1 (polycystin 1, transient receptor potential channel interacting; minus strand). Cytogenetic location: 16p13.3.
Variant type: Indel.
Coding change: c.750_751delinsA on transcript NM_001009944.3 (MANE Select); coding-DNA positions 750 to 751, CC replaced by A.
Protein change: p.Pro252fs; shifts the reading frame from proline 252.
Molecular consequence: frameshift variant.
Genome position (GRCh38, 1-based): chr16:2,118,241-2,118,242, GG replaced by T on the plus strand (CC replaced by A on the coding strand, the reverse complement: PKD1 is on the minus strand). VCF-style: chr16-2118241-GG-T. GRCh37 (hg19) VCF-style: chr16-2168242-GG-T.
Other names: p.Pro252Argfs*38; c.750_751delinsA, p.Pro252fs (NM_000296.4); short protein forms P252fs.
Identifiers: ClinVar variation 3335822 (VCV003335822.3).
Genomic context (GRCh38, chr16:2,118,241, plus strand): 5'-CAGGGAAGACGTGCTGGAGGAGGGTGGGGCCCCTACAGGTGGGGGCAGGAGGTGGCGGGG[GG>T]CCGGAGCAGAGGGACAGGCAGGCAAAGGAGGCACTGGAGGGCTGGGCCGCCCCACACAGG-3'

ClinVar aggregate classification (germline): Pathogenic. Review status: criteria provided, multiple submitters, no conflicts (2 of 4 stars). 2 submissions from 2 submitters: Pathogenic (2). Last evaluated 2024-04-11.

Conditions:
Polycystic kidney disease, adult type (PKD1). Also called: Polycystic Kidney, Autosomal Dominant; POLYCYSTIC KIDNEY DISEASE 1 WITH OR WITHOUT POLYCYSTIC LIVER DISEASE; POLYCYSTIC KIDNEY DISEASE, ADULT, TYPE I; Polycystic Kidney Disease 1, Autosomal Dominant; Polycystic kidney disease 1; Polycystic kidney disease 1, severe. Identifiers: MedGen C3149841, MONDO:0008263, OMIM 173900.

Submissions (2):

Mayo Clinic Laboratories, Mayo Clinic
Classification: Pathogenic. Last evaluated: 2024-04-11. Review status: criteria provided, single submitter. Criteria: ACMG Guidelines, 2015. Collection method: clinical testing. Allele origin: germline. Observed: 2 variant alleles.
Comment: PM2, PS4_moderate, PVS1

Juno Genomics, Hangzhou Juno Genomics, Inc
Classification: Pathogenic for Polycystic kidney disease, adult type. Review status: criteria provided, single submitter. Criteria: ACMG Guidelines, 2015. Collection method: clinical testing. Allele origin: germline. Affected: yes.
Comment: Null variant in a gene where loss of function (LOF) is a known mechanism of disease.;Absent from controls (or at extremely low frequency if recessive) in Genome Aggregation Database, Exome Sequencing Project, 1000 Genomes Project, or Exome Aggregation Consortium.;Patient's phenotype or family history is highly specific for a disease with a single genetic etiology.

Literature cited by the submitters: PubMed 24611717 (cited by Mayo Clinic Laboratories, Mayo Clinic); PubMed 33168999 (cited by Mayo Clinic Laboratories, Mayo Clinic).